The following is an entry in ClinVar:

ClinVar aggregate classification (germline): Conflicting classifications of pathogenicity. Review status: criteria provided, conflicting classifications (1 of 4 stars). 4 submissions from 4 submitters: Uncertain significance (1); Likely benign (2). 1 of the submissions does not count toward it. Last evaluated 2026-01-16.

Conditions:
ADGRV1-related disorder. Also called: ADGRV1-related condition; ADGRV1-related disorders.

Allele frequency attached by ClinVar (database versions not stated): ExAC 0.00008; ESP Exome Variant Server 0.00008; gnomAD exomes 0.00009 and 0.00014; gnomAD 0.00012 and 0.00013; TOPMed 0.00012; 1000 Genomes Project 30x 0.00016; 1000 Genomes Project 0.00020.
gnomAD v4.1: 235 of 1,610,022 alleles (0.015%); highest among the groups gnomAD compares: Middle Eastern, 0.05%; no homozygotes.

Submissions (4):

Labcorp Genetics (formerly Invitae), Labcorp
Classification: Likely benign. Last evaluated: 2026-01-16. Review status: criteria provided, single submitter. Criteria: Invitae Variant Classification Sherloc (09022015). Collection method: clinical testing. Allele origin: germline.

Blueprint Genetics
Classification: Uncertain significance. Last evaluated: 2023-10-27. Review status: criteria provided, single submitter. Criteria: ACMG Guidelines, 2015. Collection method: clinical testing. Allele origin: germline.

Laboratory for Molecular Medicine, Mass General Brigham Personalized Medicine
Classification: Likely benign. Last evaluated: 2016-11-08. Review status: criteria provided, single submitter. Criteria: LMM Criteria. Collection method: clinical testing. Allele origin: germline. Observed: 1 variant allele.
Comment: p.Val6117Met in exon 87 of GPR98: This variant is not expected to have clinical significance due to a lack of conservation across species, including mammals. Of note, >10 mammals have a methionine (Met) at this position despite high nearby amino acid conservation. In addition, computational prediction tools do not sugg est a high likelihood of impact to the protein. It has also been identified in 5 /48726 European chromosomes by the Exome Aggregation Consortium (ExAC; dbSNP rs200062593).

PreventionGenetics, part of Exact Sciences
Classification: Uncertain significance for ADGRV1-related condition. Last evaluated: 2024-09-16. Review status: no assertion criteria provided. Collection method: clinical testing. Allele origin: germline. Not counted in ClinVar's aggregate classification.
Comment: The ADGRV1 c.18349G>A variant is predicted to result in the amino acid substitution p.Val6117Met. To our knowledge, this variant has not been reported in the literature. This variant is reported in 0.011% of alleles in individuals of European (Non-Finnish) descent in gnomAD. At this time, the clinical significance of this variant is uncertain due to the absence of conclusive functional and genetic evidence.

NM_032119.4(ADGRV1):c.18349G>A (p.Val6117Met)

Gene: ADGRV1 (adhesion G protein-coupled receptor V1; plus strand). Cytogenetic location: 5q14.3.
Variant type: single nucleotide variant.
Coding change: c.18349G>A on transcript NM_032119.4 (MANE Select); coding-DNA position 18349, G replaced by A.
Protein change: p.Val6117Met; replaces valine 6117 with methionine.
Molecular consequence: missense variant. On other transcripts: non-coding transcript variant (1).
Genome position (GRCh38, 1-based): chr5:91,102,257, G>A. VCF-style: chr5-91102257-G-A. GRCh37 (hg19) VCF-style: chr5-90398074-G-A.
Other names: short protein forms V6117M.
Identifiers: ClinVar variation 504589 (VCV000504589.14), dbSNP rs200062593, ClinGen allele CA3342632.